The following is an entry in ClinVar:

ClinVar aggregate classification (germline): Pathogenic. Review status: criteria provided, multiple submitters, no conflicts (2 of 4 stars). 2 submissions from 2 submitters: Pathogenic (2). Last evaluated 2023-10-06.

Conditions:
Retinal dystrophy. Also called: Inherited retinal dystrophy. Identifiers: Orphanet 71862, MedGen C0854723, MeSH D058499, MONDO:0019118, HP:0000556.

Submissions (2):

GeneDx
Classification: Pathogenic. Last evaluated: 2023-10-06. Review status: criteria provided, single submitter. Criteria: GeneDx Variant Classification Process June 2021. Collection method: clinical testing. Allele origin: germline. Affected: yes.
Comment: Frameshift variant predicted to result in protein truncation or nonsense mediated decay in a gene for which loss of function is a known mechanism of disease; Not observed at significant frequency in large population cohorts (gnomAD); This variant is associated with the following publications: (PMID: 33302512)

Institute of Human Genetics, Univ. Regensburg, Univ. Regensburg
Classification: Pathogenic for Retinal dystrophy. Last evaluated: 2015-01-01. Review status: criteria provided, single submitter. Criteria: ACMG Guidelines, 2015. Collection method: clinical testing. Allele origin: germline. Affected: yes.

Literature cited by the submitters: PubMed 33302512 (cited by Institute of Human Genetics, Univ. Regensburg, Univ. Regensburg).

NM_004183.4(BEST1):c.199_200del (p.Leu67fs)

Gene: BEST1 (bestrophin 1; plus strand). Cytogenetic location: 11q12.3.
Variant type: Microsatellite.
Coding change: c.199_200del on transcript NM_004183.4 (MANE Select); coding-DNA positions 199 to 200, 2 bases deleted (CT; older notation c.199_200delCT).
Protein change: p.Leu67fs; shifts the reading frame from leucine 67.
Molecular consequence: frameshift variant. On other transcripts: non-coding transcript variant (1).
Genome position (GRCh38, 1-based): chr11:61,955,153-61,955,154, CT deleted; deleting any 2 consecutive bases within chr11:61,955,151-61,955,154 gives the same sequence; the c. name uses the placement nearest the transcript's 3' end. VCF-style (leftmost placement, unchanged base first): chr11-61955150-ACT-A. GRCh37 (hg19) VCF-style: chr11-61722622-ACT-A.
Other names: c.199_200del (NM_004183.3); c.17_18CT[1], p.Leu7Valfs (NM_001139443.3); c.19_20del, p.Leu7fs (NM_001300786.2, NM_001300787.2); c.197_198CT[1], p.Leu67Valfs (NM_001363592.2); short protein forms L67fs, L7fs.
Identifiers: ClinVar variation 3249739 (VCV003249739.2).